The following is an entry in ClinVar:

ClinVar aggregate classification (germline): Benign/Likely benign. Review status: criteria provided, multiple submitters, no conflicts (2 of 4 stars). 5 submissions from 5 submitters: Benign (3); Likely benign (1). 1 of the submissions does not count toward it. Last evaluated 2026-08-01.

Conditions:
MCM3AP-related disorder. Also called: MCM3AP-related condition.

Allele frequency attached by ClinVar (database versions not stated): 1000 Genomes Project 30x 0.00265; 1000 Genomes Project 0.00280; ESP Exome Variant Server 0.00469; gnomAD 0.00485 and 0.00502; TOPMed 0.00488; gnomAD exomes 0.00611 and 0.00661; ExAC 0.00640.
gnomAD v4.1: 9,762 of 1,611,734 alleles (0.61%); highest among the groups gnomAD compares: Middle Eastern, 2.5%; 56 homozygotes.

Submissions (5):

CeGaT Center for Human Genetics Tuebingen
Classification: Likely benign. Last evaluated: 2026-08-01. Review status: criteria provided, single submitter. Criteria: CeGaT Center For Human Genetics Tuebingen Variant Classification Criteria Version 2. Collection method: clinical testing. Allele origin: germline. Affected: yes. Observed: 23 variant alleles.
Comment: MCM3AP: BP4, BS2

Labcorp Genetics (formerly Invitae), Labcorp
Classification: Benign. Last evaluated: 2026-01-20. Review status: criteria provided, single submitter. Criteria: Invitae Variant Classification Sherloc (09022015). Collection method: clinical testing. Allele origin: germline.

Mayo Clinic Laboratories, Mayo Clinic
Classification: Benign. Last evaluated: 2023-05-10. Review status: criteria provided, single submitter. Criteria: ACMG Guidelines, 2015. Collection method: clinical testing. Allele origin: germline. Observed: 13 variant alleles.
Comment: BS1, BS2, BP4

Breakthrough Genomics
Classification: Benign. Review status: criteria provided, single submitter. Criteria: ACMG Guidelines, 2015. Collection method: not provided. Allele origin: germline. Inheritance: Autosomal recessive inheritance. Affected: yes.

PreventionGenetics, part of Exact Sciences
Classification: Benign for MCM3AP-related condition. Last evaluated: 2021-03-22. Review status: no assertion criteria provided. Collection method: clinical testing. Allele origin: germline. Not counted in ClinVar's aggregate classification.
Comment: This variant is classified as benign based on ACMG/AMP sequence variant interpretation guidelines (Richards et al. 2015 PMID: 25741868, with internal and published modifications).

NM_003906.5(MCM3AP):c.2833T>G (p.Leu945Val)

Gene: MCM3AP (minichromosome maintenance complex component 3 associated protein; minus strand). Cytogenetic location: 21q22.3.
Variant type: single nucleotide variant.
Coding change: c.2833T>G on transcript NM_003906.5 (MANE Select); coding-DNA position 2833, T replaced by G.
Protein change: p.Leu945Val; replaces leucine 945 with valine.
Molecular consequence: missense variant.
Genome position (GRCh38, 1-based): chr21:46,266,123, A>C on the plus strand (T>G on the coding strand, the complement: MCM3AP is on the minus strand). VCF-style: chr21-46266123-A-C. GRCh37 (hg19) VCF-style: chr21-47686037-A-C.
Other names: p.Leu945Val; short protein forms L945V.
Identifiers: ClinVar variation 790382 (VCV000790382.40), dbSNP rs144904756, ClinGen allele CA10076712.